The following is an entry in ClinVar:

NM_000169.3(GLA):c.233C>G (p.Ser78Ter)

Genes: GLA (galactosidase alpha; minus strand), RPL36A-HNRNPH2 (RPL36A-HNRNPH2 readthrough; plus strand). Cytogenetic location: Xq22.1.
Variant type: single nucleotide variant.
Coding change: c.233C>G on transcript NM_000169.3 (MANE Select); coding-DNA position 233, C replaced by G.
Protein change: p.Ser78Ter; replaces serine 78 with a stop codon.
Molecular consequence: nonsense. On other transcripts: non-coding transcript variant (3), intron variant (2).
Genome position (GRCh38, 1-based): chrX:101,403,947, G>C on the plus strand (C>G on the coding strand, the complement: GLA is on the minus strand). VCF-style: chrX-101403947-G-C. GRCh37 (hg19) VCF-style: chrX-100658935-G-C.
Other names: c.356C>G, p.Ser119Ter (NM_001406747.1, NM_001406749.1); c.233C>G, p.Ser78Ter (NM_001406748.1); c.301-7989G>C (NM_001199973.2); c.178-7989G>C (NM_001199974.2); short protein forms S78*, S119*.
Identifiers: ClinVar variation 4087143 (VCV004087143.2), dbSNP rs869312268.

ClinVar aggregate classification (germline): Pathogenic (1 of 4 stars; one submission).

Conditions:
Fabry disease. Also called: ALPHA-GALACTOSIDASE A DEFICIENCY; ANDERSON-FABRY DISEASE; CERAMIDE TRIHEXOSIDASE DEFICIENCY; GLA DEFICIENCY; HEREDITARY DYSTOPIC LIPIDOSIS; Angiokeratoma corporis diffusum. Identifiers: Orphanet 324, MedGen C0002986, MONDO:0010526, OMIM 301500, HP:0001071. Disease mechanism: Fabry disease is due to inactivating mutations in the X-linked GLA gene resulting in deficiency of the enzyme Alpha Galactosidase-A., loss of function.

Submission:

Genomenon, Inc
Classification: Pathogenic for Fabry disease. Last evaluated: 2026-09-08. Review status: criteria provided, single submitter. Criteria: Genomenon Sequence Variant Interpretation Standards - Updated. Collection method: curation. Allele origin: germline. Affected: yes.
Comment: GLA p.Ser78Ter (c.233C>G) is a nonsense variant that introduces a premature stop codon at amino acid position 78 and is predicted to result in a truncated or absent protein product. This variant has been observed in at least one proband with clinical features consistent with Fabry disease (PMID:33915609;20022777;18445046;32442237;12920095;9452111). Functional or patient cell studies have been reported (PMID:33915609;18445046). It is absent or not present at a significant frequency in gnomAD. In conclusion, we classify GLA p.Ser78Ter (c.233C>G) as a pathogenic variant.

Literature cited by the submitters: PubMed 33915609; PubMed 20022777; PubMed 18445046; PubMed 32442237; PubMed 12920095; PubMed 9452111.